The following is an entry in ClinVar:

NM_000501.4(ELN):c.1489_1506del (p.Leu497_Gly502del)

Genes: ELN (elastin; plus strand), ELN-AS1 (ELN antisense RNA 1; minus strand). Cytogenetic location: 7q11.23.
Variant type: Deletion.
Coding change: c.1489_1506del on transcript NM_000501.4 (MANE Select); coding-DNA positions 1489 to 1506, 18 bases deleted (TTGGCTCCTGGAGTTGGC).
Protein change: p.Leu497_Gly502del.
Molecular consequence: inframe deletion.
Genome position (GRCh38, 1-based): chr7:74,059,960-74,059,977, TTGGCTCCTGGAGTTGGC deleted; deleting any 18 consecutive bases within chr7:74,059,943-74,059,977 gives the same sequence; the c. name uses the placement nearest the transcript's 3' end. VCF-style (leftmost placement, unchanged base first): chr7-74059942-GTGGCTCCTGGAGTTGGCT-G. GRCh37 (hg19) VCF-style: chr7-73474272-GTGGCTCCTGGAGTTGGCT-G.
Other names: c.1489_1506del18 (NM_000501.3); c.1402_1419del, p.Leu468_Gly473del (NM_001081752.3); c.1447_1464del, p.Leu483_Gly488del (NM_001081753.3); c.1504_1521del, p.Leu502_Gly507del (NM_001081754.3); c.1432_1449del, p.Leu478_Gly483del (NM_001081755.3); c.1489_1506del, p.Leu497_Gly502del (NM_001278912.2); c.1246_1263del, p.Leu416_Gly421del (NM_001278913.2); c.1417_1434del, p.Leu473_Gly478del (NM_001278914.2); and 5 more.
Identifiers: ClinVar variation 1684714 (VCV001684714.4), dbSNP rs782393234, ClinGen allele CA4293074.

ClinVar aggregate classification (germline): Conflicting classifications of pathogenicity. Review status: criteria provided, conflicting classifications (1 of 4 stars). 3 submissions from 3 submitters: Uncertain significance (2); Likely benign (1). Last evaluated 2026-09-03.

Conditions:
ELN-related disorder.
Supravalvar aortic stenosis (SVAS). Also called: Supravalvar aortic stenosis, Eisenberg type. Identifiers: Orphanet 3193, MedGen C0003499, MONDO:0008504, OMIM 185500, HP:0004381.

Submissions (3):

PreventionGenetics, part of Exact Sciences
Classification: Uncertain significance for ELN-related condition. Last evaluated: 2026-09-03. Review status: criteria provided, single submitter. Criteria: ACMG Guidelines, 2015. Collection method: clinical testing. Allele origin: germline.
Comment: The ELN c.1489_1506del18 variant is predicted to result in an in-frame deletion (p.Leu497_Gly502del). This variant has been reported as a variant of uncertain significance (VUS) in one individual with a thoracic aortic disorder (Table Overwater. 2018. PubMed ID: 29907982). This variant is reported in 0.016% of alleles in individuals of East Asian descent in gnomAD. At this time, the clinical significance of this variant is uncertain due to the absence of conclusive functional and genetic evidence.

Labcorp Genetics (formerly Invitae), Labcorp
Classification: Likely benign for Supravalvar aortic stenosis. Last evaluated: 2026-02-02. Review status: criteria provided, single submitter. Criteria: Invitae Variant Classification Sherloc (09022015). Collection method: clinical testing. Allele origin: germline.

Mendelics
Classification: Uncertain significance. Last evaluated: 2022-05-04. Review status: criteria provided, single submitter. Criteria: Mendelics Assertion Criteria 2019. Collection method: clinical testing. Allele origin: germline.